The following is an entry in ClinVar:

ClinVar aggregate classification (germline): Benign. Review status: criteria provided, multiple submitters, no conflicts (2 of 4 stars). 5 submissions from 5 submitters: Benign (4). 1 of the submissions does not count toward it. Last evaluated 2021-12-18.

Conditions:
Renal carnitine transport defect (CDSP). Also called: Systemic primary carnitine deficiency; Carnitine transporter deficiency; Primary carnitine deficiency; Carnitine Deficiency, Systemic; Systemic primary carnitine deficiency disease; CARNITINE DEFICIENCY, SYSTEMIC, DUE TO DEFECT IN RENAL REABSORPTION OF CARNITINE. Identifiers: Orphanet 158, MedGen C0342788, MONDO:0008919, OMIM 212140.

Allele frequency attached by ClinVar (database versions not stated): gnomAD 0.07424 and 0.07657; TOPMed 0.07462; gnomAD exomes 0.07958; 1000 Genomes Project 30x 0.11134; 1000 Genomes Project 0.11901.
gnomAD v4.1: 123,626 of 1,557,066 alleles (7.9%); highest among the groups gnomAD compares: East Asian, 29%; 6,153 homozygotes.

Submissions (7):

Women's Health and Genetics/Laboratory Corporation of America, LabCorp
Classification: Benign. Last evaluated: 2021-12-18. Review status: criteria provided, single submitter. Criteria: LabCorp Variant Classification Summary - May 2015. Collection method: clinical testing. Allele origin: germline.
Comment: Variant summary: SLC22A5 c.-78C>T is located in the untranslated mRNA region upstream of the initiation codon. The variant allele was found at a frequency of 0.08 in 31322 control chromosomes in the gnomAD database, including 117 homozygotes. The observed variant frequency is approximately 17.62 fold of the estimated maximal expected allele frequency for a pathogenic variant in SLC22A5 causing Systemic Primary Carnitine Deficiency phenotype (0.0046), strongly suggesting that the variant is benign. Three clinical diagnostic laboratories have submitted clinical-significance assessments for this variant to ClinVar after 2014 without evidence for independent evaluation. All laboratories classified the variant as benign. Based on the evidence outlined above, the variant was classified as benign.

Genome-Nilou Lab
Classification: Benign for Renal carnitine transport defect. Last evaluated: 2021-07-15. Review status: criteria provided, single submitter. Criteria: ACMG Guidelines, 2015. Collection method: clinical testing. Allele origin: germline. Affected: no.

GeneDx
Classification: Benign. Last evaluated: 2018-06-23. Review status: criteria provided, single submitter. Criteria: GeneDx Variant Classification Process June 2021. Collection method: clinical testing. Allele origin: germline. Affected: yes.

Illumina Laboratory Services, Illumina
Classification: Benign for Renal carnitine transport defect. Last evaluated: 2018-01-12. Review status: criteria provided, single submitter. Criteria: ICSL Variant Classification Criteria 13 December 2019. Collection method: clinical testing. Allele origin: germline.
Comment: This variant was observed in the ICSL laboratory as part of a predisposition screen in an ostensibly healthy population. It had not been previously curated by ICSL or reported in the Human Gene Mutation Database (HGMD: prior to June 1st, 2018), and was therefore a candidate for classification through an automated scoring system. Utilizing variant allele frequency, disease prevalence and penetrance estimates, and inheritance mode, an automated score was calculated to assess if this variant is too frequent to cause the disease. Based on the score and internal cut-off values, a variant classified as benign is not then subjected to further curation. The score for this variant resulted in a classification of benign for this disease.

Counsyl
Classification: Benign for Renal carnitine transport defect. Last evaluated: 2018-04-19. Review status: no assertion criteria provided. Collection method: clinical testing. Allele origin: unknown. Not counted in ClinVar's aggregate classification.

Dr. Peter K. Rogan Lab, Western University
No classification provided (evidence only). Condition: Thymoma. Review status: no classification provided. Collection method: in vitro. Allele origin: not applicable. Functional consequence: retained intron. Not counted in ClinVar's aggregate classification.

Dr. Peter K. Rogan Lab, Western University
No classification provided (evidence only). Condition: Thymoma. Review status: no classification provided. Collection method: in vitro. Allele origin: not applicable. Functional consequence: retained intron. Not counted in ClinVar's aggregate classification.

Literature cited by the submitters: PubMed 20208395 (cited by Counsyl); PubMed 16830263 (cited by Counsyl).

NM_003060.4(SLC22A5):c.-78C>T

Genes: MIR3936HG (MIR3936 host gene; minus strand), SLC22A5 (solute carrier family 22 member 5; plus strand), LOC129994569 (ATAC-STARR-seq lymphoblastoid silent region 16317; plus strand). Cytogenetic location: 5q31.1.
Variant type: single nucleotide variant.
Coding change: c.-78C>T on transcript NM_003060.4 (MANE Select); 78 bases upstream of the start codon, C replaced by T.
Molecular consequence: 5 prime UTR variant. On other transcripts: non-coding transcript variant (1).
Genome position (GRCh38, 1-based): chr5:132,369,895, C>T. VCF-style: chr5-132369895-C-T. GRCh37 (hg19) VCF-style: chr5-131705587-C-T.
Other names: NC_000005.9:g.131705587C>T; c.-78C>T (NM_001308122.2).
Identifiers: ClinVar variation 25342 (VCV000025342.13), dbSNP rs13180043, ClinGen allele CA342600.